The following is an entry in ClinVar:

ClinVar aggregate classification (germline): Pathogenic/Likely pathogenic. Review status: criteria provided, multiple submitters, no conflicts (2 of 4 stars). 2 submissions from 2 submitters: Pathogenic (1); Likely pathogenic (1). Last evaluated 2025-09-24.

Conditions:
Developmental and epileptic encephalopathy, 12 (DEE12). Identifiers: MedGen C3150988, MONDO:0013389, OMIM 613722.

Submissions (2):

GeneDx
Classification: Likely pathogenic. Last evaluated: 2025-09-24. Review status: criteria provided, single submitter. Criteria: GeneDx Variant Classification Process June 2021. Collection method: clinical testing. Allele origin: germline. Affected: yes.
Comment: Frameshift variant predicted to result in protein truncation or nonsense mediated decay in a gene for which loss of function is a known mechanism of disease; Has not been previously published as pathogenic or benign to our knowledge

Labcorp Genetics (formerly Invitae), Labcorp
Classification: Pathogenic for Developmental and epileptic encephalopathy, 12. Last evaluated: 2023-04-18. Review status: criteria provided, single submitter. Criteria: Invitae Variant Classification Sherloc (09022015). Collection method: clinical testing. Allele origin: germline.
Comment: For these reasons, this variant has been classified as Pathogenic. This sequence change creates a premature translational stop signal (p.Gly335Serfs*3) in the PNKP gene. It is expected to result in an absent or disrupted protein product. Loss-of-function variants in PNKP are known to be pathogenic (PMID: 20118933, 25728773). This variant is present in population databases (no rsID available, gnomAD 0.02%). This variant has not been reported in the literature in individuals affected with PNKP-related conditions. ClinVar contains an entry for this variant (Variation ID: 430281).

Literature cited by the submitters: PubMed 20118933 (cited by Labcorp Genetics (formerly Invitae), Labcorp); PubMed 25728773 (cited by Labcorp Genetics (formerly Invitae), Labcorp).

NM_007254.4(PNKP):c.1003_1016del (p.Gly335fs)

Gene: PNKP (polynucleotide kinase 3'-phosphatase; minus strand). Cytogenetic location: 19q13.33.
Variant type: Deletion.
Coding change: c.1003_1016del on transcript NM_007254.4 (MANE Select); coding-DNA positions 1003 to 1016, 14 bases deleted (GGCTTCGAGCTCCC).
Protein change: p.Gly335fs; shifts the reading frame from glycine 335.
Molecular consequence: frameshift variant.
Genome position (GRCh38, 1-based): chr19:49,862,384-49,862,397, GGGAGCTCGAAGCC deleted on the plus strand (GGCTTCGAGCTCCC on the coding strand, the reverse complement: PNKP is on the minus strand); deleting any 14 consecutive bases within chr19:49,862,384-49,862,399 gives the same sequence; the c. name uses the placement nearest the transcript's 3' end. VCF-style (leftmost placement, unchanged base first): chr19-49862383-TGGGAGCTCGAAGCC-T. GRCh37 (hg19) VCF-style: chr19-50365640-TGGGAGCTCGAAGCC-T.
Other names: c.1003_1016delGGCTTCGAGCTCCC (NM_007254.2); short protein forms G335fs.
Identifiers: ClinVar variation 430281 (VCV000430281.15), dbSNP rs1131691883, ClinGen allele CA633895320.